The following is an entry in ClinVar:

ClinVar aggregate classification (germline): Uncertain significance (1 of 4 stars; one submission).

Conditions:
Intellectual disability. Also called: Intellectual functioning disability; intellectual disabilities; Intellectual developmental disorder. Identifiers: MedGen C3714756, MeSH D008607, MONDO:0001071, HP:0001249.

Submission:

Labcorp Genetics (formerly Invitae), Labcorp
Classification: Uncertain significance for Intellectual disability. Last evaluated: 2025-05-19. Review status: criteria provided, single submitter. Criteria: Invitae Variant Classification Sherloc (09022015). Collection method: clinical testing. Allele origin: germline.
Comment: This sequence change replaces isoleucine, which is neutral and non-polar, with methionine, which is neutral and non-polar, at codon 266 of the GABRB2 protein (p.Ile266Met). This variant is not present in population databases (gnomAD no frequency). This variant has not been reported in the literature in individuals affected with GABRB2-related conditions. ClinVar contains an entry for this variant (Variation ID: 2121981). Invitae Evidence Modeling of protein sequence and biophysical properties (such as structural, functional, and spatial information, amino acid conservation, physicochemical variation, residue mobility, and thermodynamic stability) indicates that this missense variant is not expected to disrupt GABRB2 protein function with a negative predictive value of 95%. In summary, the available evidence is currently insufficient to determine the role of this variant in disease. Therefore, it has been classified as a Variant of Uncertain Significance.

NM_001371727.1(GABRB2):c.798T>G (p.Ile266Met)

Gene: GABRB2 (gamma-aminobutyric acid type A receptor subunit beta2; minus strand). Cytogenetic location: 5q34.
Variant type: single nucleotide variant.
Coding change: c.798T>G on transcript NM_001371727.1 (MANE Select); coding-DNA position 798, T replaced by G.
Protein change: p.Ile266Met; replaces isoleucine 266 with methionine.
Molecular consequence: missense variant.
Genome position (GRCh38, 1-based): chr5:161,334,786, A>C on the plus strand (T>G on the coding strand, the complement: GABRB2 is on the minus strand). VCF-style: chr5-161334786-A-C. GRCh37 (hg19) VCF-style: chr5-160761793-A-C.
Other names: c.798T>G, p.Ile266Met (NM_000813.3, NM_021911.3); short protein forms I266M.
Identifiers: ClinVar variation 2121981 (VCV002121981.4), dbSNP rs2546558199, ClinGen allele CA362171541.